The following is an entry in ClinVar:

NM_001370466.1(NOD2):c.193G>C (p.Val65Leu)

Gene: NOD2 (nucleotide binding oligomerization domain containing 2; plus strand). Cytogenetic location: 16q12.1.
Variant type: single nucleotide variant.
Coding change: c.193G>C on transcript NM_001370466.1 (MANE Select); coding-DNA position 193, G replaced by C.
Protein change: p.Val65Leu; replaces valine 65 with leucine.
Molecular consequence: missense variant. On other transcripts: non-coding transcript variant (1).
Genome position (GRCh38, 1-based): chr16:50,699,688, G>C. VCF-style: chr16-50699688-G-C. GRCh37 (hg19) VCF-style: chr16-50733599-G-C.
Other names: c.193G>C, p.Val65Leu (NM_001293557.2); c.274G>C, p.Val92Leu (NM_022162.3); short protein forms V92L, V65L.
Identifiers: ClinVar variation 4789794 (VCV004789794.1).

ClinVar aggregate classification (germline): Uncertain significance (1 of 4 stars; one submission).

Conditions:
Regional enteritis. Also called: Enteritis, Granulomatous. Identifiers: MedGen C0678202, MeSH D003424.
Blau syndrome (BLAUS). Also called: ARTHROCUTANEOUVEAL GRANULOMATOSIS; GRANULOMATOSIS, FAMILIAL JUVENILE SYSTEMIC; GRANULOMATOSIS, FAMILIAL, BLAU TYPE; GRANULOMATOUS INFLAMMATORY ARTHRITIS, DERMATITIS, AND UVEITIS, FAMILIAL; JABS SYNDROME. Identifiers: Orphanet 90340, MedGen C5201146, MONDO:0008523, OMIM 186580.

gnomAD v4.1: 1 of 1,614,152 alleles (0.000062%); highest among the groups gnomAD compares: Non-Finnish European, 0.000085%; no homozygotes.

Submission:

Labcorp Genetics (formerly Invitae), Labcorp
Classification: Uncertain significance for Regional enteritis; Blau syndrome. Last evaluated: 2025-07-09. Review status: criteria provided, single submitter. Criteria: Invitae Variant Classification Sherloc (09022015). Collection method: clinical testing. Allele origin: germline.
Comment: This sequence change replaces valine, which is neutral and non-polar, with leucine, which is neutral and non-polar, at codon 92 of the NOD2 protein (p.Val92Leu). This variant is not present in population databases (gnomAD no frequency). This variant has not been reported in the literature in individuals affected with NOD2-related conditions. Invitae Evidence Modeling of protein sequence and biophysical properties (such as structural, functional, and spatial information, amino acid conservation, physicochemical variation, residue mobility, and thermodynamic stability) indicates that this missense variant is not expected to disrupt NOD2 protein function with a negative predictive value of 95%. In summary, the available evidence is currently insufficient to determine the role of this variant in disease. Therefore, it has been classified as a Variant of Uncertain Significance.